The following is an entry in ClinVar:

ClinVar aggregate classification (germline): Uncertain significance. Review status: criteria provided, multiple submitters, no conflicts (2 of 4 stars). 2 submissions from 2 submitters: Uncertain significance (2). Last evaluated 2022-10-10.

Conditions:
Brugada syndrome 5 (BRGDA5). Identifiers: Orphanet 130, Orphanet 871, MedGen C2748541, MONDO:0013015, OMIM 612838.

Allele frequency attached by ClinVar (database versions not stated): gnomAD exomes below 0.00001.
gnomAD v4.1: 1 of 1,553,180 alleles (0.000064%); highest among the groups gnomAD compares: Non-Finnish European, 0.000087%; no homozygotes.

Submissions (2):

Labcorp Genetics (formerly Invitae), Labcorp
Classification: Uncertain significance for Brugada syndrome 5. Last evaluated: 2022-10-10. Review status: criteria provided, single submitter. Criteria: Invitae Variant Classification Sherloc (09022015). Collection method: clinical testing. Allele origin: germline.
Comment: In summary, the available evidence is currently insufficient to determine the role of this variant in disease. Therefore, it has been classified as a Variant of Uncertain Significance. Algorithms developed to predict the effect of missense changes on protein structure and function are either unavailable or do not agree on the potential impact of this missense change (SIFT: "Tolerated"; PolyPhen-2: "Probably Damaging"; Align-GVGD: "Class C15"). ClinVar contains an entry for this variant (Variation ID: 426385). This variant has not been reported in the literature in individuals affected with SCN1B-related conditions. This variant is not present in population databases (gnomAD no frequency). This sequence change replaces proline, which is neutral and non-polar, with leucine, which is neutral and non-polar, at codon 222 of the SCN1B protein (p.Pro222Leu).

GeneDx
Classification: Uncertain significance. Last evaluated: 2017-04-19. Review status: criteria provided, single submitter. Criteria: GeneDx Variant Classification (06012015). Collection method: clinical testing. Allele origin: germline. Affected: yes.
Comment: The P222L variant of uncertain significance in an alternate transcript of the SCN1B gene has not been published as pathogenic or been reported as benign to our knowledge. This variant is not observed in large population cohorts (Lek et al., 2016; 1000 Genomes Consortium et al., 2015; Exome Variant Server). The P222L variant is a semi-conservative amino acid substitution, which may impact secondary protein structure as these residues differ in some properties. However, this substitution occurs at a position that is not conserved across species, and 2/3 in silico algorithms predict this variant likely does not alter the protein structure/function.

NM_001037.5(SCN1B):c.448+217C>T

Gene: SCN1B (sodium voltage-gated channel beta subunit 1; plus strand). Cytogenetic location: 19q13.11.
Variant type: single nucleotide variant.
Coding change: c.448+217C>T on transcript NM_001037.5 (MANE Select); 217 bases into the intron after coding-DNA position 448, C replaced by T.
Molecular consequence: intron variant. On other transcripts: missense variant (1).
Genome position (GRCh38, 1-based): chr19:35,033,956, C>T. VCF-style: chr19-35033956-C-T. GRCh37 (hg19) VCF-style: chr19-35524860-C-T.
Other names: c.665C>T, p.Pro222Leu (NM_199037.5); c.349+217C>T (NM_001321605.2); short protein forms P222L.
Identifiers: ClinVar variation 426385 (VCV000426385.6), dbSNP rs1085307597, ClinGen allele CA405329596.